The following is an entry in ClinVar:

NM_000051.4(ATM):c.5588C>G (p.Ser1863Cys)

Gene: ATM (ATM serine/threonine kinase; plus strand). Cytogenetic location: 11q22.3.
Variant type: single nucleotide variant.
Coding change: c.5588C>G on transcript NM_000051.4 (MANE Select); coding-DNA position 5588, C replaced by G.
Protein change: p.Ser1863Cys; replaces serine 1863 with cysteine.
Molecular consequence: missense variant.
Genome position (GRCh38, 1-based): chr11:108,304,766, C>G. VCF-style: chr11-108304766-C-G. GRCh37 (hg19) VCF-style: chr11-108175493-C-G.
Other names: c.5588C>G, p.Ser1863Cys (NM_001351834.2); short protein forms S1863C.
Identifiers: ClinVar variation 3659598 (VCV003659598.2).

ClinVar aggregate classification (germline): Uncertain significance (1 of 4 stars; one submission).

Conditions:
Ataxia-telangiectasia syndrome (AT). Also called: LOUIS-BAR SYNDROME; Cerebello-oculocutaneous telangiectasia; Immunodeficiency with ataxia telangiectasia; ATAXIA-TELANGIECTASIA, COMPLEMENTATION GROUP A; ATAXIA-TELANGIECTASIA, FRESNO VARIANT; Ataxia-telangiectasia, complementation group D. Identifiers: Orphanet 100, MedGen C0004135, MONDO:0008840, OMIM 208900.

Submission:

Labcorp Genetics (formerly Invitae), Labcorp
Classification: Uncertain significance for Ataxia-telangiectasia syndrome. Last evaluated: 2024-07-16. Review status: criteria provided, single submitter. Criteria: Invitae Variant Classification Sherloc (09022015). Collection method: clinical testing. Allele origin: germline.
Comment: This sequence change replaces serine, which is neutral and polar, with cysteine, which is neutral and slightly polar, at codon 1863 of the ATM protein (p.Ser1863Cys). This variant is not present in population databases (gnomAD no frequency). This variant has not been reported in the literature in individuals affected with ATM-related conditions. An algorithm developed to predict the effect of missense changes on protein structure and function (PolyPhen-2) suggests that this variant is likely to be disruptive. In summary, the available evidence is currently insufficient to determine the role of this variant in disease. Therefore, it has been classified as a Variant of Uncertain Significance.